The following is an entry in ClinVar:

ClinVar aggregate classification (germline): Uncertain significance (1 of 4 stars; one submission).

Conditions:
Bethlem myopathy 1A. Also called: Bethlem Muscular Dystrophy; Bethlem myopathy 1; MYOPATHY, BENIGN CONGENITAL, WITH CONTRACTURES. Identifiers: Orphanet 610, MedGen CN029274, MONDO:0024530, OMIM 158810.

Allele frequency attached by ClinVar (database versions not stated): TOPMed below 0.00001.

Submission:

Labcorp Genetics (formerly Invitae), Labcorp
Classification: Uncertain significance for Bethlem myopathy 1A. Last evaluated: 2018-12-30. Review status: criteria provided, single submitter. Criteria: Invitae Variant Classification Sherloc (09022015). Collection method: clinical testing. Allele origin: germline.
Comment: In summary, the available evidence is currently insufficient to determine the role of this variant in disease. Therefore, it has been classified as a Variant of Uncertain Significance. Algorithms developed to predict the effect of missense changes on protein structure and function are either unavailable or do not agree on the potential impact of this missense change (SIFT: "Tolerated"; PolyPhen-2: "Possibly Damaging"; Align-GVGD: "Class C0"). This variant has not been reported in the literature in individuals with COL6A3-related conditions. This variant is not present in population databases (ExAC no frequency). This sequence change replaces isoleucine with methionine at codon 1119 of the COL6A3 protein (p.Ile1119Met). The isoleucine residue is weakly conserved and there is a small physicochemical difference between isoleucine and methionine.

NM_004369.4(COL6A3):c.3357C>G (p.Ile1119Met)

Gene: COL6A3 (collagen type VI alpha 3 chain; minus strand). Cytogenetic location: 2q37.3.
Variant type: single nucleotide variant.
Coding change: c.3357C>G on transcript NM_004369.4 (MANE Select); coding-DNA position 3357, C replaced by G.
Protein change: p.Ile1119Met; replaces isoleucine 1119 with methionine.
Molecular consequence: missense variant.
Genome position (GRCh38, 1-based): chr2:237,374,734, G>C on the plus strand (C>G on the coding strand, the complement: COL6A3 is on the minus strand). VCF-style: chr2-237374734-G-C. GRCh37 (hg19) VCF-style: chr2-238283377-G-C.
Other names: c.2136C>G, p.Ile712Met (NM_057164.5); c.2739C>G, p.Ile913Met (NM_057165.5, NM_057167.4); c.1536C>G, p.Ile512Met (NM_057166.5); short protein forms I1119M, I913M, I712M, I512M.
Identifiers: ClinVar variation 657798 (VCV000657798.9), dbSNP rs1574709919, ClinGen allele CA351203457.